The following is an entry in ClinVar:

NM_002485.5(NBN):c.1100C>G (p.Thr367Arg)

Gene: NBN (nibrin; minus strand). Cytogenetic location: 8q21.3.
Variant type: single nucleotide variant.
Coding change: c.1100C>G on transcript NM_002485.5 (MANE Select); coding-DNA position 1100, C replaced by G.
Protein change: p.Thr367Arg; replaces threonine 367 with arginine.
Molecular consequence: missense variant.
Genome position (GRCh38, 1-based): chr8:89,958,749, G>C on the plus strand (C>G on the coding strand, the complement: NBN is on the minus strand). VCF-style: chr8-89958749-G-C. GRCh37 (hg19) VCF-style: chr8-90970977-G-C.
Other names: c.854C>G, p.Thr285Arg (NM_001024688.3); short protein forms T367R, T285R.
Identifiers: ClinVar variation 653356 (VCV000653356.9), dbSNP rs1586065643, ClinGen allele CA371656612.
Genomic context (GRCh38, chr8:89,958,749, plus strand): 5'-AATAATAACAATAGTACGGTAATGAAGAAGCTTTACCATGTATCTGCTTGCTCTGATTCT[G>C]TGTCAGCTACGTATGTTGTAGTGTTCACTGGGGCGCTTGGCATTAGTTTTTCATCAACTG-3'
Protein context (NP_002476.2, residues 357-377): PVNTTTYVAD[Thr367Arg]ESEQADTWDL

ClinVar aggregate classification (germline): Uncertain significance. Review status: criteria provided, multiple submitters, no conflicts (2 of 4 stars). 2 submissions from 2 submitters: Uncertain significance (2). Last evaluated 2026-07-06.

Conditions:
Microcephaly, normal intelligence and immunodeficiency (NBS). Also called: Microcephaly with normal intelligence immunodeficiency and lymphoreticular malignancies; Nonsyndromal microcephaly autosomal recessive with normal intelligence; Seemanova syndrome 2; IMMUNODEFICIENCY, MICROCEPHALY, AND CHROMOSOMAL INSTABILITY; BERLIN BREAKAGE SYNDROME; SEEMANOVA SYNDROME II. Identifiers: Orphanet 647, MedGen C0398791, MONDO:0009623, OMIM 251260.
Hereditary cancer-predisposing syndrome. Also called: Neoplastic Syndromes, Hereditary; Hereditary Cancer Syndrome; Hereditary neoplastic syndrome; Tumor predisposition. Identifiers: Orphanet 140162, MedGen C0027672, MeSH D009386, MONDO:0015356.

Submissions (2):

Ambry Genetics
Classification: Uncertain significance for Hereditary cancer-predisposing syndrome. Last evaluated: 2026-07-06. Review status: criteria provided, single submitter. Criteria: Ambry Variant Classification Scheme 2023. Collection method: clinical testing. Allele origin: germline.
Comment: The p.T367R variant (also known as c.1100C>G), located in coding exon 9 of the NBN gene, results from a C to G substitution at nucleotide position 1100. The threonine at codon 367 is replaced by arginine, an amino acid with similar properties. This amino acid position is conserved. In addition, the in silico prediction for this alteration is inconclusive. Based on the available evidence, the clinical significance of this variant remains unclear.

Labcorp Genetics (formerly Invitae), Labcorp
Classification: Uncertain significance for Microcephaly, normal intelligence and immunodeficiency. Last evaluated: 2018-11-08. Review status: criteria provided, single submitter. Criteria: Invitae Variant Classification Sherloc (09022015). Collection method: clinical testing. Allele origin: germline.
Comment: In summary, the available evidence is currently insufficient to determine the role of this variant in disease. Therefore, it has been classified as a Variant of Uncertain Significance. Algorithms developed to predict the effect of missense changes on protein structure and function are either unavailable or do not agree on the potential impact of this missense change (SIFT: "Tolerated"; PolyPhen-2: "Probably Damaging"; Align-GVGD: "Class C0"). This variant has not been reported in the literature in individuals with NBN-related disease. This variant is not present in population databases (ExAC no frequency). This sequence change replaces threonine with arginine at codon 367 of the NBN protein (p.Thr367Arg). The threonine residue is highly conserved and there is a moderate physicochemical difference between threonine and arginine.